The following is an entry in ClinVar:

NM_144969.3(ZDHHC15):c.992T>C (p.Leu331Pro)

Gene: ZDHHC15 (zDHHC palmitoyltransferase 15; minus strand). Cytogenetic location: Xq13.3.
Variant type: single nucleotide variant.
Coding change: c.992T>C on transcript NM_144969.3 (MANE Select); coding-DNA position 992, T replaced by C.
Protein change: p.Leu331Pro; replaces leucine 331 with proline.
Molecular consequence: missense variant.
Genome position (GRCh38, 1-based): chrX:75,379,174, A>G on the plus strand (T>C on the coding strand, the complement: ZDHHC15 is on the minus strand). VCF-style: chrX-75379174-A-G. GRCh37 (hg19) VCF-style: chrX-74599009-A-G.
Other names: c.992T>C (NM_144969.2); c.965T>C, p.Leu322Pro (NM_001146256.2); short protein forms L331P, L322P.
Identifiers: ClinVar variation 493529 (VCV000493529.46), dbSNP rs757420624, ClinGen allele CA10455819.

ClinVar aggregate classification (germline): Conflicting classifications of pathogenicity. Review status: criteria provided, conflicting classifications (1 of 4 stars). 2 submissions from 2 submitters: Uncertain significance (1); Likely benign (1). Last evaluated 2025-08-28.

Allele frequency attached by ClinVar (database versions not stated): gnomAD 0.00003; TOPMed 0.00003; gnomAD exomes 0.00005; ExAC 0.00009.
gnomAD v4.1: 62 of 1,209,679 alleles (0.0051%); highest among the groups gnomAD compares: Non-Finnish European, 0.0067%; no homozygotes.

Submissions (2):

Ambry Genetics
Classification: Uncertain significance. Last evaluated: 2025-08-28. Review status: criteria provided, single submitter. Criteria: Ambry Variant Classification Scheme 2023. Collection method: clinical testing. Allele origin: germline.

CeGaT Center for Human Genetics Tuebingen
Classification: Likely benign. Last evaluated: 2022-11-01. Review status: criteria provided, single submitter. Criteria: CeGaT Center For Human Genetics Tuebingen Variant Classification Criteria Version 2. Collection method: clinical testing. Allele origin: germline. Affected: yes. Observed: 2 variant alleles.
Comment: ZDHHC15: BS2